The following is an entry in ClinVar:

NM_004100.5(EYA4):c.1471T>G (p.Leu491Val)

Genes: EYA4 (EYA transcriptional coactivator and phosphatase 4; plus strand), TARID (TCF21 antisense RNA inducing promoter demethylation; minus strand). Cytogenetic location: 6q23.2.
Variant type: single nucleotide variant.
Coding change: c.1471T>G on transcript NM_004100.5 (MANE Select); coding-DNA position 1471, T replaced by G.
Protein change: p.Leu491Val; replaces leucine 491 with valine.
Molecular consequence: missense variant.
Genome position (GRCh38, 1-based): chr6:133,513,008, T>G. VCF-style: chr6-133513008-T-G. GRCh37 (hg19) VCF-style: chr6-133834146-T-G.
Other names: c.1309T>G, p.Leu437Val (NM_001301012.2); c.1489T>G, p.Leu497Val (NM_001301013.2); c.1402T>G, p.Leu468Val (NM_001370458.1, NM_172103.4); c.1327T>G, p.Leu443Val (NM_001370459.1); c.1471T>G, p.Leu491Val (NM_172105.4); short protein forms L468V, L491V, L497V, L443V, L437V.
Identifiers: ClinVar variation 1773373 (VCV001773373.2), dbSNP rs2535341743, ClinGen allele CA365715486.

ClinVar aggregate classification (germline): Uncertain significance (1 of 4 stars; one submission).

Conditions:
Cardiovascular phenotype. Identifiers: MedGen CN230736.

Allele frequency attached by ClinVar (database versions not stated): gnomAD exomes below 0.00001.
gnomAD v4.1: 1 of 1,614,084 alleles (0.000062%); highest among the groups gnomAD compares: South Asian, 0.0011%; no homozygotes.

Submission:

Ambry Genetics
Classification: Uncertain significance for Cardiovascular phenotype. Last evaluated: 2022-01-30. Review status: criteria provided, single submitter. Criteria: Ambry Variant Classification Scheme 2023. Collection method: clinical testing. Allele origin: germline.
Comment: The p.L491V variant (also known as c.1471T>G), located in coding exon 15 of the EYA4 gene, results from a T to G substitution at nucleotide position 1471. The leucine at codon 491 is replaced by valine, an amino acid with highly similar properties. This amino acid position is conserved. In addition, the in silico prediction for this alteration is inconclusive. Since supporting evidence is limited at this time, the clinical significance of this alteration remains unclear.